The following is an entry in ClinVar:

NM_031443.4(CCM2):c.689A>T (p.Asp230Val)

Gene: CCM2 (CCM2 scaffold protein; plus strand). Cytogenetic location: 7p13.
Variant type: single nucleotide variant.
Coding change: c.689A>T on transcript NM_031443.4 (MANE Select); coding-DNA position 689, A replaced by T.
Protein change: p.Asp230Val; replaces aspartic acid 230 with valine.
Molecular consequence: missense variant. On other transcripts: non-coding transcript variant (1), intron variant (1).
Genome position (GRCh38, 1-based): chr7:45,069,905, A>T. VCF-style: chr7-45069905-A-T. GRCh37 (hg19) VCF-style: chr7-45109504-A-T.
Other names: c.752A>T, p.Asp251Val (NM_001029835.2); c.515A>T, p.Asp172Val (NM_001167934.2, NM_001363459.2); c.689A>T, p.Asp230Val (NM_001363458.2); c.473-2821A>T (NM_001167935.2); short protein forms D172V, D230V, D251V.
Identifiers: ClinVar variation 3378265 (VCV003378265.1).
Genomic context (GRCh38, chr7:45,069,905, plus strand): 5'-GCTGTCTGCTAGGCCAGGTCTTCCAGGTTGTTTACACGGAGTCCACCATCGACTTTCTGG[A>T]CAGAGCGATATTTGATGGGGCCTCTACCCCGACCCACCACCTGTCCCTGCACAGCGGTAT-3'
Protein context (NP_113631.1, residues 220-240): VYTESTIDFL[Asp230Val]RAIFDGASTP

ClinVar aggregate classification (germline): Uncertain significance (1 of 4 stars; one submission).

Submission:

GeneDx
Classification: Uncertain significance. Last evaluated: 2024-05-13. Review status: criteria provided, single submitter. Criteria: GeneDx Variant Classification Process June 2021. Collection method: clinical testing. Allele origin: germline. Affected: yes.
Comment: Not observed at significant frequency in large population cohorts (gnomAD); In silico analysis supports that this missense variant has a deleterious effect on protein structure/function; Has not been previously published as pathogenic or benign to our knowledge